The following is an entry in ClinVar:

ClinVar aggregate classification (germline): Uncertain significance (1 of 4 stars; one submission).

Conditions:
Developmental and epileptic encephalopathy, 21 (DEE21). Also called: Early infantile epileptic encephalopathy 21. Identifiers: Orphanet 442835, MedGen C4014430, MONDO:0014360, OMIM 615833.

Submission:

Labcorp Genetics (formerly Invitae), Labcorp
Classification: Uncertain significance for Developmental and epileptic encephalopathy, 21. Last evaluated: 2025-08-21. Review status: criteria provided, single submitter. Criteria: Invitae Variant Classification Sherloc (09022015). Collection method: clinical testing. Allele origin: germline.
Comment: This sequence change falls in intron 4 of the NECAP1 gene. It does not directly change the encoded amino acid sequence of the NECAP1 protein. It affects a nucleotide within the consensus splice site. This variant is not present in population databases (gnomAD no frequency). This variant has not been reported in the literature in individuals affected with NECAP1-related conditions. ClinVar contains an entry for this variant (Variation ID: 541852). Variants that disrupt the consensus splice site are a relatively common cause of aberrant splicing (PMID: 17576681, 9536098). Algorithms developed to predict the effect of sequence changes on RNA splicing suggest that this variant may disrupt the consensus splice site. In summary, the available evidence is currently insufficient to determine the role of this variant in disease. Therefore, it has been classified as a Variant of Uncertain Significance.

Literature cited by the submitters: PubMed 17576681; PubMed 9536098.

NM_015509.4(NECAP1):c.383+3G>T

Gene: NECAP1 (NECAP endocytosis associated 1; plus strand). Cytogenetic location: 12p13.31.
Variant type: single nucleotide variant.
Coding change: c.383+3G>T on transcript NM_015509.4 (MANE Select); 3 bases into the intron after coding-DNA position 383, G replaced by T.
Molecular consequence: intron variant.
Genome position (GRCh38, 1-based): chr12:8,091,853, G>T. VCF-style: chr12-8091853-G-T. GRCh37 (hg19) VCF-style: chr12-8244449-G-T.
Identifiers: ClinVar variation 541852 (VCV000541852.5), dbSNP rs1555169180, ClinGen allele CA658797838.
Genomic context (GRCh38, chr12:8,091,853, plus strand): 5'-GCTTCACAGATCGGGGAGATGCCTTCGACTTTAATGTCTCCTTGCAGGATCACTTCAAGT[G>T]AGTGAAGCTTGTCCTTAGTTACGAGGCTGAATGCTTATAGGAATGCTGCTTCTCACATGA-3'